The following is an entry in ClinVar:

NM_003931.3(WASF1):c.170A>G (p.Asn57Ser)

Gene: WASF1 (WASP family member 1; minus strand). Cytogenetic location: 6q21.
Variant type: single nucleotide variant.
Coding change: c.170A>G on transcript NM_003931.3 (MANE Select); coding-DNA position 170, A replaced by G.
Protein change: p.Asn57Ser; replaces asparagine 57 with serine.
Molecular consequence: missense variant.
Genome position (GRCh38, 1-based): chr6:110,113,424, T>C on the plus strand (A>G on the coding strand, the complement: WASF1 is on the minus strand). VCF-style: chr6-110113424-T-C. GRCh37 (hg19) VCF-style: chr6-110434627-T-C.
Other names: c.170A>G, p.Asn57Ser (NM_001024934.2, NM_001024935.2, NM_001024936.2); short protein forms N57S.
Identifiers: ClinVar variation 2358705 (VCV002358705.5), dbSNP rs141069208, ClinGen allele CA3957045.

ClinVar aggregate classification (germline): Likely benign. Review status: criteria provided, multiple submitters, no conflicts (2 of 4 stars). 3 submissions from 3 submitters: Likely benign (2). 1 of the submissions does not count toward it. Last evaluated 2024-09-05.

Conditions:
Inborn genetic diseases. Identifiers: MedGen C0950123, MeSH D030342.
WASF1-related disorder. Also called: WASF1-related condition.

Allele frequency attached by ClinVar (database versions not stated): TOPMed 0.00034; gnomAD 0.00043; gnomAD exomes 0.00049; ExAC 0.00058; ESP Exome Variant Server 0.00069.
gnomAD v4.1: 766 of 1,602,702 alleles (0.048%); highest among the groups gnomAD compares: Non-Finnish European, 0.059%; 2 homozygotes.

Submissions (3):

Blueprint Genetics
Classification: Likely benign. Last evaluated: 2024-09-05. Review status: criteria provided, single submitter. Criteria: ACMG Guidelines, 2015. Collection method: clinical testing. Allele origin: germline.

Ambry Genetics
Classification: Likely benign for Inborn genetic diseases. Last evaluated: 2021-05-17. Review status: criteria provided, single submitter. Criteria: Ambry Variant Classification Scheme 2023. Collection method: clinical testing. Allele origin: germline.

PreventionGenetics, part of Exact Sciences
Classification: Likely benign for WASF1-related condition. Last evaluated: 2023-02-16. Review status: no assertion criteria provided. Collection method: clinical testing. Allele origin: germline. Not counted in ClinVar's aggregate classification.
Comment: This variant is classified as likely benign based on ACMG/AMP sequence variant interpretation guidelines (Richards et al. 2015 PMID: 25741868, with internal and published modifications).